The following is an entry in ClinVar:

NM_017802.4(DNAAF5):c.628G>A (p.Gly210Arg)

Gene: DNAAF5 (dynein axonemal assembly factor 5; plus strand). Cytogenetic location: 7p22.3.
Variant type: single nucleotide variant.
Coding change: c.628G>A on transcript NM_017802.4 (MANE Select); coding-DNA position 628, G replaced by A.
Protein change: p.Gly210Arg; replaces glycine 210 with arginine.
Molecular consequence: missense variant.
Genome position (GRCh38, 1-based): chr7:729,695, G>A. VCF-style: chr7-729695-G-A. GRCh37 (hg19) VCF-style: chr7-769332-G-A.
Other names: short protein forms G210R.
Identifiers: ClinVar variation 1752649 (VCV001752649.8), dbSNP rs767022738, ClinGen allele CA4110387.

ClinVar aggregate classification (germline): Uncertain significance. Review status: criteria provided, multiple submitters, no conflicts (2 of 4 stars). 2 submissions from 2 submitters: Uncertain significance (2). Last evaluated 2024-12-13.

Conditions:
Primary ciliary dyskinesia. Also called: Ciliary dyskinesia. Identifiers: Orphanet 244, MedGen C0008780, MONDO:0016575, HP:0012265.

Allele frequency attached by ClinVar (database versions not stated): TOPMed below 0.00001; ExAC 0.00003.
gnomAD v4.1: 8 of 1,614,008 alleles (0.0005%); highest among the groups gnomAD compares: East Asian, 0.0022%; no homozygotes.

Submissions (2):

Ambry Genetics
Classification: Uncertain significance for Primary ciliary dyskinesia. Last evaluated: 2024-12-13. Review status: criteria provided, single submitter. Criteria: Ambry Variant Classification Scheme 2023. Collection method: clinical testing. Allele origin: germline.

Labcorp Genetics (formerly Invitae), Labcorp
Classification: Uncertain significance for Primary ciliary dyskinesia. Last evaluated: 2022-08-01. Review status: criteria provided, single submitter. Criteria: Invitae Variant Classification Sherloc (09022015). Collection method: clinical testing. Allele origin: germline.
Comment: This variant is present in population databases (rs767022738, gnomAD 0.008%). In summary, the available evidence is currently insufficient to determine the role of this variant in disease. Therefore, it has been classified as a Variant of Uncertain Significance. Algorithms developed to predict the effect of missense changes on protein structure and function (SIFT, PolyPhen-2, Align-GVGD) all suggest that this variant is likely to be tolerated. This variant has not been reported in the literature in individuals affected with DNAAF5-related conditions. This sequence change replaces glycine, which is neutral and non-polar, with arginine, which is basic and polar, at codon 210 of the DNAAF5 protein (p.Gly210Arg).